The following is an entry in ClinVar:

ClinVar aggregate classification (germline): Uncertain significance (1 of 4 stars; one submission).

Conditions:
Granulomatous disease, chronic, autosomal recessive, cytochrome b-positive, type 2. Also called: GRANULOMATOUS DISEASE, CHRONIC, AUTOSOMAL RECESSIVE, 2; GRANULOMATOUS DISEASE, CHRONIC, DUE TO NCF2 DEFICIENCY; Chronic granulomatous disease due to deficiency of NCF-2; Chronic Granulomatous Disease, Autosomal Recessive, Cytochrome b-Positive, Type II; CGD, AUTOSOMAL RECESSIVE CYTOCHROME b-POSITIVE, TYPE II. Identifiers: Orphanet 379, MedGen C1856245, MONDO:0009310, OMIM 233710.

Submission:

Labcorp Genetics (formerly Invitae), Labcorp
Classification: Uncertain significance for Granulomatous disease, chronic, autosomal recessive, cytochrome b-positive, type 2. Last evaluated: 2022-09-13. Review status: criteria provided, single submitter. Criteria: Invitae Variant Classification Sherloc (09022015). Collection method: clinical testing. Allele origin: germline.
Comment: In summary, the available evidence is currently insufficient to determine the role of this variant in disease. Therefore, it has been classified as a Variant of Uncertain Significance. Advanced modeling of protein sequence and biophysical properties (such as structural, functional, and spatial information, amino acid conservation, physicochemical variation, residue mobility, and thermodynamic stability) performed at Invitae indicates that this missense variant is not expected to disrupt NCF2 protein function. ClinVar contains an entry for this variant (Variation ID: 655503). This variant has not been reported in the literature in individuals affected with NCF2-related conditions. This variant is not present in population databases (gnomAD no frequency). This sequence change replaces serine, which is neutral and polar, with proline, which is neutral and non-polar, at codon 312 of the NCF2 protein (p.Ser312Pro).

NM_000433.4(NCF2):c.934T>C (p.Ser312Pro)

Gene: NCF2 (neutrophil cytosolic factor 2; minus strand). Cytogenetic location: 1q25.3.
Variant type: single nucleotide variant.
Coding change: c.934T>C on transcript NM_000433.4 (MANE Select); coding-DNA position 934, T replaced by C.
Protein change: p.Ser312Pro; replaces serine 312 with proline.
Molecular consequence: missense variant.
Genome position (GRCh38, 1-based): chr1:183,565,770, A>G on the plus strand (T>C on the coding strand, the complement: NCF2 is on the minus strand). VCF-style: chr1-183565770-A-G. GRCh37 (hg19) VCF-style: chr1-183534905-A-G.
Other names: c.934T>C, p.Ser312Pro (NM_001127651.3); c.691T>C, p.Ser231Pro (NM_001190789.2); c.799T>C, p.Ser267Pro (NM_001190794.2); short protein forms S231P, S267P, S312P.
Identifiers: ClinVar variation 655503 (VCV000655503.9), dbSNP rs1572153511, ClinGen allele CA343705099.
Genomic context (GRCh38, chr1:183,565,770, plus strand): 5'-ACAGCTGGGGTCTTCCAGGGGCTTTGGAACTAGGAGGAGCTGGGATGTCGGACTGCGGAG[A>G]GCTTTCCTCCTGAAGGCAACAGGGAGCGACGGTCAGAACCTTCATTCAAAGTTCCCAGGC-3'
Protein context (NP_000424.2, residues 302-322): HPQQQPQEES[Ser312Pro]PQSDIPAPPS